The following is an entry in ClinVar:

NM_000264.5(PTCH1):c.4127C>T (p.Ser1376Phe)

Gene: PTCH1 (patched 1; minus strand). Cytogenetic location: 9q22.32.
Variant type: single nucleotide variant.
Coding change: c.4127C>T on transcript NM_000264.5 (MANE Select); coding-DNA position 4127, C replaced by T.
Protein change: p.Ser1376Phe; replaces serine 1376 with phenylalanine.
Molecular consequence: missense variant. On other transcripts: non-coding transcript variant (1).
Genome position (GRCh38, 1-based): chr9:95,447,129, G>A on the plus strand (C>T on the coding strand, the complement: PTCH1 is on the minus strand). VCF-style: chr9-95447129-G-A. GRCh37 (hg19) VCF-style: chr9-98209411-G-A.
Other names: c.3929C>T, p.Ser1310Phe (NM_001083602.3); c.4124C>T, p.Ser1375Phe (NM_001083603.3); c.3674C>T, p.Ser1225Phe (NM_001083604.3, NM_001083605.3, NM_001083606.3 and 1 more transcripts); c.3971C>T, p.Ser1324Phe (NM_001354918.2); short protein forms S1225F, S1324F, S1375F, S1376F, S1310F.
Identifiers: ClinVar variation 3427316 (VCV003427316.2).

ClinVar aggregate classification (germline): Uncertain significance (1 of 4 stars; one submission).

Conditions:
Hereditary cancer-predisposing syndrome. Also called: Neoplastic Syndromes, Hereditary; Tumor predisposition; Hereditary Cancer Syndrome; Hereditary neoplastic syndrome. Identifiers: Orphanet 140162, MedGen C0027672, MeSH D009386, MONDO:0015356.

Submission:

Ambry Genetics
Classification: Uncertain significance for Hereditary cancer-predisposing syndrome. Last evaluated: 2024-11-18. Review status: criteria provided, single submitter. Criteria: Ambry Variant Classification Scheme 2023. Collection method: clinical testing. Allele origin: germline.
Comment: The p.S1376F variant (also known as c.4127C>T), located in coding exon 23 of the PTCH1 gene, results from a C to T substitution at nucleotide position 4127. The serine at codon 1376 is replaced by phenylalanine, an amino acid with highly dissimilar properties. This amino acid position is highly conserved in available vertebrate species. In addition, the in silico prediction for this alteration is inconclusive. Based on the available evidence, the clinical significance of this variant remains unclear.